The following is an entry in ClinVar:

ClinVar aggregate classification (germline): Uncertain significance (1 of 4 stars; one submission).

Submission:

Labcorp Genetics (formerly Invitae), Labcorp
Classification: Uncertain significance. Last evaluated: 2022-12-30. Review status: criteria provided, single submitter. Criteria: Invitae Variant Classification Sherloc (09022015). Collection method: clinical testing. Allele origin: germline.
Comment: In summary, the available evidence is currently insufficient to determine the role of this variant in disease. Therefore, it has been classified as a Variant of Uncertain Significance. Algorithms developed to predict the effect of missense changes on protein structure and function are either unavailable or do not agree on the potential impact of this missense change (SIFT: "Not Available"; PolyPhen-2: "Benign"; Align-GVGD: "Not Available"). This variant has not been reported in the literature in individuals affected with LHX3-related conditions. This variant is not present in population databases (gnomAD no frequency). This sequence change replaces methionine, which is neutral and non-polar, with isoleucine, which is neutral and non-polar, at codon 271 of the LHX3 protein (p.Met271Ile).

NM_178138.6(LHX3):c.798G>T (p.Met266Ile)

Gene: LHX3 (LIM homeobox 3; minus strand). Cytogenetic location: 9q34.3.
Variant type: single nucleotide variant.
Coding change: c.798G>T on transcript NM_178138.6 (MANE Select); coding-DNA position 798, G replaced by T.
Protein change: p.Met266Ile; replaces methionine 266 with isoleucine.
Molecular consequence: missense variant.
Genome position (GRCh38, 1-based): chr9:136,197,721, C>A on the plus strand (G>T on the coding strand, the complement: LHX3 is on the minus strand). VCF-style: chr9-136197721-C-A. GRCh37 (hg19) VCF-style: chr9-139089567-C-A.
Other names: c.813G>T, p.Met271Ile (NM_014564.5); c.765G>T, p.Met255Ile (NM_001363746.1); short protein forms M271I, M255I, M266I.
Identifiers: ClinVar variation 2920491 (VCV002920491.3), dbSNP rs774048470, ClinGen allele CA375519096.